The following is an entry in ClinVar:

NM_001134363.3(RBM20):c.224C>T (p.Ser75Leu)

Gene: RBM20 (RNA binding motif protein 20; plus strand). Cytogenetic location: 10q25.2.
Variant type: single nucleotide variant.
Coding change: c.224C>T on transcript NM_001134363.3 (MANE Select); coding-DNA position 224, C replaced by T.
Protein change: p.Ser75Leu; replaces serine 75 with leucine.
Molecular consequence: missense variant.
Genome position (GRCh38, 1-based): chr10:110,780,833, C>T. VCF-style: chr10-110780833-C-T. GRCh37 (hg19) VCF-style: chr10-112540591-C-T.
Other names: p.S75L:TCG>TTG; c.224C>T (LRG_382t1); short protein forms S75L.
Identifiers: ClinVar variation 202052 (VCV000202052.20), dbSNP rs191342808, ClinGen allele CA335527.
Genomic context (GRCh38, chr10:110,780,833, plus strand): 5'-GTGCATCTAGACCTCTGTCTTCCCACAGTGCCGCCAAGCTCCTGGACAAGAACCCATTCT[C>T]GGTCAGTAACCCGAACCCTCTGCTTCCTTCACCTGCCAGTCTCCAGCTGGCTCAACTGCA-3'
Protein context (NP_001127835.2, residues 65-85): AAKLLDKNPF[Ser75Leu]VSNPNPLLPS

ClinVar aggregate classification (germline): Conflicting classifications of pathogenicity. Review status: criteria provided, conflicting classifications (1 of 4 stars). 7 submissions from 7 submitters: Uncertain significance (5); Benign (1); Likely benign (1). Last evaluated 2026-01-28.

Conditions:
Dilated cardiomyopathy 1DD (CMD1DD). Identifiers: Orphanet 154, MedGen C2750995, MONDO:0013168, OMIM 613172.
Cardiovascular phenotype. Identifiers: MedGen CN230736.
Cardiomyopathy (CMYO). Also called: Cardiomyopathies. Identifiers: Orphanet 167848, MedGen C0878544, MONDO:0004994, HP:0001638. Inheritance: Various modes of inheritance.

Allele frequency attached by ClinVar (database versions not stated): gnomAD exomes 0.00003 and 0.00009; gnomAD 0.00004 and 0.00006; TOPMed 0.00004; ExAC 0.00015; 1000 Genomes Project 0.00020; 1000 Genomes Project 30x 0.00031.
gnomAD v4.1: 131 of 1,537,574 alleles (0.0085%); highest among the groups gnomAD compares: East Asian, 0.3%; 1 homozygote.

Submissions (7):

Labcorp Genetics (formerly Invitae), Labcorp
Classification: Benign for Dilated cardiomyopathy 1DD. Last evaluated: 2026-01-28. Review status: criteria provided, single submitter. Criteria: Invitae Variant Classification Sherloc (09022015). Collection method: clinical testing. Allele origin: germline.

Molecular Diagnostic Laboratory for Inherited Cardiovascular Disease, Montreal Heart Institute
Classification: Likely benign. Last evaluated: 2025-04-08. Review status: criteria provided, single submitter. Criteria: ACMG Guidelines, 2015. Collection method: clinical testing. Allele origin: germline. Affected: no.

Women's Health and Genetics/Laboratory Corporation of America, LabCorp
Classification: Uncertain significance. Last evaluated: 2023-05-16. Review status: criteria provided, single submitter. Criteria: LabCorp Variant Classification Summary - May 2015. Collection method: clinical testing. Allele origin: germline.
Comment: Variant summary: RBM20 c.224C>T (p.Ser75Leu) results in a non-conservative amino acid change in the encoded protein sequence. Four of five in-silico tools predict a damaging effect of the variant on protein function. The variant allele was found at a frequency of 2.7e-05 in 148312 control chromosomes. The available data on variant occurrences in the general population are insufficient to allow any conclusion about variant significance. c.224C>T has been reported in the literature in individuals affected with Dilated Cardiomyopathy and cardiac conduction disorders without evidence of cosegregation with disease (Kawakami_2018), and these individuals also had a truncating variant in LMNA. This report does not provide unequivocal conclusions about association of the variant with Dilated Cardiomyopathy. To our knowledge, no experimental evidence demonstrating an impact on protein function has been reported. The following publication has been ascertained in the context of this evaluation (PMID: 29628476). Six submitters have provided clinical-significance assessments for this variant to ClinVar after 2014, and classified it as uncertain significance (n=4) or benign/likely benign (n=2). Based on the evidence outlined above, the variant was classified as uncertain significance.

Ambry Genetics
Classification: Uncertain significance for Cardiovascular phenotype. Last evaluated: 2023-04-03. Review status: criteria provided, single submitter. Criteria: Ambry Variant Classification Scheme 2023. Collection method: clinical testing. Allele origin: germline.
Comment: The p.S75L variant (also known as c.224C>T), located in coding exon 2 of the RBM20 gene, results from a C to T substitution at nucleotide position 224. The serine at codon 75 is replaced by leucine, an amino acid with dissimilar properties. This alteration has been reported in a family with dilated cardiomyopathy (DCM) and conduction disorders and who was also noted to have a truncating alteration in LMNA (Kawakami H et al. Int Heart J, 2018 May;59:531-541). This variant was detected in a cardiomyopathy/arrhythmia genetic testing cohort; however, clinical details were limited, and additional cardiac variants were detected in some cases. (van Lint FHM et al, 2019 Jun;27:304-309). This amino acid position is well conserved in available vertebrate species. In addition, the in silico prediction for this alteration is inconclusive. Since supporting evidence is limited at this time, the clinical significance of this alteration remains unclear.

Illumina Laboratory Services, Illumina
Classification: Uncertain significance for Dilated cardiomyopathy 1DD. Last evaluated: 2018-01-13. Review status: criteria provided, single submitter. Criteria: ICSL Variant Classification Criteria 13 December 2019. Collection method: clinical testing. Allele origin: germline.

CHEO Genetics Diagnostic Laboratory, Children's Hospital of Eastern Ontario
Classification: Uncertain significance for Cardiomyopathy. Last evaluated: 2016-06-16. Review status: criteria provided, single submitter. Criteria: ACMG Guidelines, 2015. Collection method: clinical testing. Allele origin: germline. Study: Canadian Open Genetics Repository.

GeneDx
Classification: Uncertain significance. Last evaluated: 2015-05-01. Review status: criteria provided, single submitter. Criteria: GeneDx Variant Classification (06012015). Collection method: clinical testing. Allele origin: germline. Affected: yes.
Comment: p.Ser75Leu (TCG>TTG): c.224 C>T in exon 2 of the RBM20 gene (NM_001134363.1). The Ser75Leu variant in the RBM20 gene has not been reported as a disease-causing mutation or as a benign polymorphism to our knowledge. Ser75Leu results in a non-conservative amino acid substitution of a polar Serine residue with a non-polar Leucine residue at a position that is conserved across species. In silico analysis predicts Ser75Leu is probably damaging to the protein structure/function. Another missense mutation (Leu83Ile) has been reported in association with DCM, further supporting the functional importance of this region of the protein. The Ser75Leu variant was not observed in approximately 2,000 individuals of European and African American ancestry in the NHLBI Exome Sequencing Project, indicating it is not a common benign variant in these populations. However, Ser75Leu was observed in 2/176 alleles (1.1%) of Japanese ancestry in the 1000 genomes database, indicating this may be a benign variant in this population.With the clinical and molecular information available at this time, we cannot definitively determine if Ser75Leu is a disease-causing mutation or a rare benign variant. The variant is found in DCM panel(s).

Literature cited by the submitters: PubMed 29628476 (cited by Women's Health and Genetics/Laboratory Corporation of America, LabCorp and Ambry Genetics); PubMed 30847666 (cited by Ambry Genetics).